The following is an entry in ClinVar:

ClinVar aggregate classification (germline): Uncertain significance (1 of 4 stars; one submission).

Conditions:
Inborn genetic diseases. Identifiers: MedGen C0950123, MeSH D030342.

Submission:

Ambry Genetics
Classification: Uncertain significance for Inborn genetic diseases. Last evaluated: 2023-12-21. Review status: criteria provided, single submitter. Criteria: Ambry Variant Classification Scheme 2023. Collection method: clinical testing. Allele origin: germline.
Comment: The c.22_36del15 (p.L8_S12del) alteration, located in coding exon 1 of the SOX11 gene, results from an in-frame deletion of 15 nucleotides at positions c.22 to c.36. This results in the deletion of 5 amino acids between codons 8 and 12. This variant was not reported in population-based cohorts in the Genome Aggregation Database (gnomAD). This amino acid region is poorly conserved in available vertebrate species. Based on insufficient or conflicting evidence, the clinical significance of this alteration remains unclear.

NM_003108.4(SOX11):c.22_36del (p.Leu8_Ser12del)

Gene: SOX11 (SRY-box transcription factor 11; plus strand). Cytogenetic location: 2p25.2.
Variant type: Deletion.
Coding change: c.22_36del on transcript NM_003108.4 (MANE Select); coding-DNA positions 22 to 36, 15 bases deleted (TTGGAAGCGGAGAGC).
Protein change: p.Leu8_Ser12del.
Molecular consequence: inframe deletion.
Genome position (GRCh38, 1-based): chr2:5,692,743-5,692,757, TTGGAAGCGGAGAGC deleted; deleting any 15 consecutive bases within chr2:5,692,734-5,692,757 gives the same sequence; the c. name uses the placement nearest the transcript's 3' end. VCF-style (leftmost placement, unchanged base first): chr2-5692733-GGCGGAGAGCTTGGAA-G. GRCh37 (hg19) VCF-style: chr2-5832865-GGCGGAGAGCTTGGAA-G.
Identifiers: ClinVar variation 3167701 (VCV003167701.1), dbSNP rs2465087226, ClinGen allele CA2825001123.
Genomic context (GRCh38, chr2:5,692,733, plus strand): 5'-GCACGAGACCCAGCGGCCCGGGTTGGAGCGTCCAGCCCTGCAGCGGATCATGGTGCAGCA[GGCGGAGAGCTTGGAA>G]GCGGAGAGCAACCTGCCCCGGGAGGCGCTGGACACGGAGGAGGGCGAATTCATGGCTTGC-3'